The following is an entry in ClinVar:

NM_005956.4(MTHFD1):c.298C>T (p.Gln100Ter)

Gene: MTHFD1 (methylenetetrahydrofolate dehydrogenase, cyclohydrolase and formyltetrahydrofolate synthetase 1; plus strand). Cytogenetic location: 14q23.3.
Variant type: single nucleotide variant.
Coding change: c.298C>T on transcript NM_005956.4 (MANE Select); coding-DNA position 298, C replaced by T.
Protein change: p.Gln100Ter; replaces glutamine 100 with a stop codon.
Molecular consequence: nonsense.
Genome position (GRCh38, 1-based): chr14:64,415,415, C>T. VCF-style: chr14-64415415-C-T. GRCh37 (hg19) VCF-style: chr14-64882133-C-T.
Other names: c.298C>T, p.Gln100Ter (LRG_1243t1, NM_001364837.1); short protein forms Q100*.
Identifiers: ClinVar variation 488993 (VCV000488993.4), dbSNP rs1329424461, ClinGen allele CA389972498.

ClinVar aggregate classification (germline): Likely pathogenic. Review status: criteria provided, multiple submitters, no conflicts (2 of 4 stars). 2 submissions from 2 submitters: Likely pathogenic (2). Last evaluated 2026-01-15.

Conditions:
Neural tube defects, folate-sensitive (NTDFS). Also called: NTD, FOLATE-SENSITIVE. Identifiers: Orphanet 823, MedGen C1866558, MONDO:0011120, OMIM 601634.
Combined immunodeficiency and megaloblastic anemia with or without hyperhomocysteinemia. Also called: COMBINED IMMUNODEFICIENCY AND MEGALOBLASTIC ANEMIA; METHYLENETETRAHYDROFOLATE DEHYDROGENASE 1 DEFICIENCY. Identifiers: Orphanet 658813, MedGen C4540434, MONDO:0060611, OMIM 617780.

Allele frequency attached by ClinVar (database versions not stated): gnomAD exomes 0.00001.
gnomAD v4.1: 2 of 1,612,934 alleles (0.00012%); highest among the groups gnomAD compares: Non-Finnish European, 0.000085%; no homozygotes.

Submissions (2):

GeneDx
Classification: Likely pathogenic. Last evaluated: 2026-01-15. Review status: criteria provided, single submitter. Criteria: GeneDx Variant Classification Process June 2021. Collection method: clinical testing. Allele origin: germline. Affected: yes.
Comment: Nonsense variant predicted to result in protein truncation or nonsense mediated decay in a gene for which loss of function is a known mechanism of disease; Not observed at significant frequency in large population cohorts (gnomAD); Has not been previously published as pathogenic or benign to our knowledge

Fulgent Genetics
Classification: Likely pathogenic for Neural tube defects, folate-sensitive; Combined immunodeficiency and megaloblastic anemia with or without hyperhomocysteinemia. Last evaluated: 2024-03-06. Review status: criteria provided, single submitter. Criteria: ACMG Guidelines, 2015. Collection method: clinical testing. Allele origin: germline.